The following is an entry in ClinVar:

ClinVar aggregate classification (germline): Likely pathogenic (1 of 4 stars; one submission).

Submission:

GeneDx
Classification: Likely pathogenic. Last evaluated: 2020-06-08. Review status: criteria provided, single submitter. Criteria: GeneDx Variant Classification Process June 2021. Collection method: clinical testing. Allele origin: germline. Affected: yes.
Comment: Nonsense variant in the C-terminus predicted to result in protein truncation, as the last 221 amino acids are lost, and other loss-of-function variants have been reported downstream in the Human Gene Mutation Database (Stenson et al., 2014); Not observed in large population cohorts (Lek et al., 2016); Has not been previously published as pathogenic or benign to our knowledge

NM_001109878.2(TBX22):c.899G>A (p.Trp300Ter)

Gene: TBX22 (T-box transcription factor 22). Cytogenetic location: Xq21.1.
Variant type: single nucleotide variant.
Coding change: c.899G>A on transcript NM_001109878.2 (MANE Select); coding-DNA position 899, G replaced by A.
Protein change: p.Trp300Ter; replaces tryptophan 300 with a stop codon.
Molecular consequence: nonsense.
Genome position (GRCh38, 1-based): chrX:80,028,026, G>A. VCF-style: chrX-80028026-G-A. GRCh37 (hg19) VCF-style: chrX-79283525-G-A.
Other names: c.539G>A, p.Trp180Ter (NM_001109879.2, NM_001303475.1); c.899G>A, p.Trp300Ter (NM_016954.2); short protein forms W300*, W180*.
Identifiers: ClinVar variation 450864 (VCV000450864.3), dbSNP rs1555993323, ClinGen allele CA413741225.